The following is an entry in ClinVar:

ClinVar aggregate classification (germline): Uncertain significance (1 of 4 stars; one submission).

gnomAD v4.1: 1 of 1,517,748 alleles (0.000066%); no homozygotes.

Submission:

Ambry Genetics
Classification: Uncertain significance. Last evaluated: 2025-07-22. Review status: criteria provided, single submitter. Criteria: Ambry Variant Classification Scheme 2023. Collection method: clinical testing. Allele origin: germline.
Comment: The p.E1610K variant (also known as c.4828G>A), located in coding exon 19 of the WNK2 gene, results from a G to A substitution at nucleotide position 4828. The glutamic acid at codon 1610 is replaced by lysine, an amino acid with similar properties. This amino acid position is conserved. In addition, this alteration is predicted to be tolerated by in silico analysis. Based on the available evidence, the clinical significance of this variant remains unclear.

NM_006648.4(WNK2):c.4828G>A (p.Glu1610Lys)

Gene: WNK2 (WNK lysine deficient protein kinase 2; plus strand). Cytogenetic location: 9q22.31.
Variant type: single nucleotide variant.
Coding change: c.4828G>A on transcript NM_006648.4 (MANE Select); coding-DNA position 4828, G replaced by A.
Protein change: p.Glu1610Lys; replaces glutamic acid 1610 with lysine.
Molecular consequence: missense variant.
Genome position (GRCh38, 1-based): chr9:93,289,582, G>A. VCF-style: chr9-93289582-G-A. GRCh37 (hg19) VCF-style: chr9-96051864-G-A.
Other names: c.4939G>A, p.Glu1647Lys (NM_001282394.3); short protein forms E1610K, E1647K.
Identifiers: ClinVar variation 4201654 (VCV004201654.1).